The following is an entry in ClinVar:

NM_000090.4(COL3A1):c.3490G>A (p.Gly1164Arg)

Gene: COL3A1 (collagen type III alpha 1 chain; plus strand). Cytogenetic location: 2q32.2.
Variant type: single nucleotide variant.
Coding change: c.3490G>A on transcript NM_000090.4 (MANE Select); coding-DNA position 3490, G replaced by A.
Protein change: p.Gly1164Arg; replaces glycine 1164 with arginine.
Molecular consequence: missense variant.
Genome position (GRCh38, 1-based): chr2:189,008,107, G>A. VCF-style: chr2-189008107-G-A. GRCh37 (hg19) VCF-style: chr2-189872833-G-A.
Identifiers: ClinVar variation 101402 (VCV000101402.3), dbSNP rs587779553, ClinGen allele CA006453.
Genomic context (GRCh38, chr2:189,008,107, plus strand): 5'-CCCAGTGGACCTCCTGGCAAAGATGGAACCAGTGGACATCCAGGTCCCATTGGACCACCA[G>A]GGCCTCGAGGTAACAGAGGTGAAAGAGGATCTGAGGTAAGACATCACTTATACGTATGTG-3'
Protein context (NP_000081.2, residues 1154-1174): SGHPGPIGPP[Gly1164Arg]PRGNRGERGS

ClinVar aggregate classification (germline): Pathogenic (0 of 4 stars; one submission).

Conditions:
Ehlers-Danlos syndrome, type 4 (EDSVASC). Also called: Ehlers-Danlos syndrome vascular type; Ehlers Danlos syndrome, ecchymotic type; Ehlers Danlos syndrome, arterial type; Ehlers Danlos syndrome, Sack-Barabas type; Ehlers-Danlos Syndrome Type IV. Identifiers: Orphanet 286, MedGen C0268338, MONDO:0017314, OMIM 130050.

Submission:

Collagen Diagnostic Laboratory, University of Washington
Classification: Pathogenic for Ehlers-Danlos syndrome, type 4. Review status: no assertion criteria provided. Collection method: clinical testing. Allele origin: germline. Affected: yes.

Literature cited by the submitters: PubMed 10706896 (cited by Collagen Diagnostic Laboratory, University of Washington).